The following is an entry in ClinVar:

NM_001103.4(ACTN2):c.133A>G (p.Thr45Ala)

Gene: ACTN2 (actinin alpha 2; plus strand). Cytogenetic location: 1q43.
Variant type: single nucleotide variant.
Coding change: c.133A>G on transcript NM_001103.4 (MANE Select); coding-DNA position 133, A replaced by G.
Protein change: p.Thr45Ala; replaces threonine 45 with alanine.
Molecular consequence: missense variant. On other transcripts: 5 prime UTR variant (1).
Genome position (GRCh38, 1-based): chr1:236,717,864, A>G. VCF-style: chr1-236717864-A-G. GRCh37 (hg19) VCF-style: chr1-236881164-A-G.
Other names: c.133A>G (NM_001103.2); c.133A>G, p.Thr45Ala (NM_001278343.2); c.-689A>G (NM_001278344.2); short protein forms T45A.
Identifiers: ClinVar variation 1163696 (VCV001163696.6), dbSNP rs1658267493, ClinGen allele CA345373184.

ClinVar aggregate classification (germline): Uncertain significance. Review status: criteria provided, multiple submitters, no conflicts (2 of 4 stars). 2 submissions from 2 submitters: Uncertain significance (2). Last evaluated 2026-02-19.

Conditions:
Cardiovascular phenotype. Identifiers: MedGen CN230736.

Allele frequency attached by ClinVar (database versions not stated): gnomAD exomes below 0.00001.
gnomAD v4.1: 1 of 1,613,474 alleles (0.000062%); highest among the groups gnomAD compares: Non-Finnish European, 0.000085%; no homozygotes.

Submissions (2):

Ambry Genetics
Classification: Uncertain significance for Cardiovascular phenotype. Last evaluated: 2026-02-19. Review status: criteria provided, single submitter. Criteria: Ambry Variant Classification Scheme 2023. Collection method: clinical testing. Allele origin: germline.
Comment: The p.T45A variant (also known as c.133A>G), located in coding exon 2 of the ACTN2 gene, results from an A to G substitution at nucleotide position 133. The threonine at codon 45 is replaced by alanine, an amino acid with similar properties. This amino acid position is conserved. In addition, this alteration is predicted to be deleterious by in silico analysis. Based on the available evidence, the clinical significance of this variant remains unclear.

Mayo Clinic Laboratories, Mayo Clinic
Classification: Uncertain significance. Last evaluated: 2020-12-30. Review status: criteria provided, single submitter. Criteria: ACMG Guidelines, 2015. Collection method: clinical testing. Allele origin: germline. Observed: 1 variant allele.